The following is an entry in ClinVar:

ClinVar aggregate classification (germline): Uncertain significance (1 of 4 stars; one submission).

Conditions:
Fanconi anemia (FA). Also called: Fanconi's anemia. Identifiers: Orphanet 84, MedGen C0015625, MeSH D005199, MONDO:0019391.

gnomAD v4.1: 1 of 1,614,110 alleles (0.000062%); highest among the groups gnomAD compares: South Asian, 0.0011%; no homozygotes.

Submission:

Labcorp Genetics (formerly Invitae), Labcorp
Classification: Uncertain significance for Fanconi anemia. Last evaluated: 2020-10-25. Review status: criteria provided, single submitter. Criteria: Invitae Variant Classification Sherloc (09022015). Collection method: clinical testing. Allele origin: germline.
Comment: This sequence change replaces methionine with isoleucine at codon 717 of the FANCA protein (p.Met717Ile). The methionine residue is weakly conserved and there is a small physicochemical difference between methionine and isoleucine. This variant also falls at the last nucleotide of exon 23, which is part of the consensus splice site for this exon. This variant is not present in population databases (ExAC no frequency). This variant has been observed in individual(s) with breast cancer (PMID: 14695169). Algorithms developed to predict the effect of missense changes on protein structure and function (SIFT, PolyPhen-2, Align-GVGD) all suggest that this variant is likely to be tolerated, but these predictions have not been confirmed by published functional studies and their clinical significance is uncertain. Nucleotide substitutions within the consensus splice site are a relatively common cause of aberrant splicing (PMID: 17576681, 9536098). Experimental studies have shown that this variant does not affect mRNA splicing (PMID: 10094191). In summary, the available evidence is currently insufficient to determine the role of this variant in disease. Therefore, it has been classified as a Variant of Uncertain Significance.

Literature cited by the submitters: PubMed 14695169; PubMed 17576681; PubMed 9536098; PubMed 10094191.

NM_000135.4(FANCA):c.2151G>A (p.Met717Ile)

Gene: FANCA (FA complementation group A; minus strand). Cytogenetic location: 16q24.3.
Variant type: single nucleotide variant.
Coding change: c.2151G>A on transcript NM_000135.4 (MANE Select); coding-DNA position 2151, G replaced by A.
Protein change: p.Met717Ile; replaces methionine 717 with isoleucine.
Molecular consequence: missense variant.
Genome position (GRCh38, 1-based): chr16:89,771,678, C>T on the plus strand (G>A on the coding strand, the complement: FANCA is on the minus strand). VCF-style: chr16-89771678-C-T. GRCh37 (hg19) VCF-style: chr16-89838086-C-T.
Other names: c.2151G>A, p.Met717Ile (NM_001286167.3); short protein forms M717I.
Identifiers: ClinVar variation 1040913 (VCV001040913.8), dbSNP rs1131660, ClinGen allele CA397447840.